The following is an entry in ClinVar:

ClinVar aggregate classification (germline): Pathogenic/Likely pathogenic. Review status: criteria provided, multiple submitters, no conflicts (2 of 4 stars). 7 submissions from 7 submitters: Pathogenic (3); Likely pathogenic (4). Last evaluated 2026-01-05.

Conditions:
Hereditary cancer-predisposing syndrome. Also called: Neoplastic Syndromes, Hereditary; Hereditary neoplastic syndrome; Tumor predisposition; Hereditary Cancer Syndrome. Identifiers: Orphanet 140162, MedGen C0027672, MeSH D009386, MONDO:0015356.
ATM-related cancer predisposition. Also called: ATM-related cancer susceptibility. Identifiers: MedGen CN377759, MONDO:0700270.
Familial cancer of breast. Also called: hereditary breast carcinoma; Hereditary breast cancer; BREAST CANCER, FAMILIAL. Identifiers: Orphanet 227535, MedGen C0346153, MONDO:0016419, OMIM 114480. Disease mechanism: loss of function.
Ataxia-telangiectasia syndrome (AT). Also called: Ataxia telangiectasia (A-T); Cerebello-oculocutaneous telangiectasia; Immunodeficiency with ataxia telangiectasia; LOUIS-BAR SYNDROME; AT, COMPLEMENTATION GROUP C; ATAXIA-TELANGIECTASIA, FRESNO VARIANT. Identifiers: Orphanet 100, MedGen C0004135, MONDO:0008840, OMIM 208900.

gnomAD v4.1: 17 of 1,614,094 alleles (0.0011%); highest among the groups gnomAD compares: Non-Finnish European, 0.0014%; no homozygotes.

Submissions (7):

Labcorp Genetics (formerly Invitae), Labcorp
Classification: Pathogenic for Ataxia-telangiectasia syndrome. Last evaluated: 2026-01-05. Review status: criteria provided, single submitter. Criteria: Invitae Variant Classification Sherloc (09022015). Collection method: clinical testing. Allele origin: germline.
Comment: This sequence change replaces aspartic acid, which is acidic and polar, with tyrosine, which is neutral and polar, at codon 2913 of the ATM protein (p.Asp2913Tyr). This variant is not present in population databases (gnomAD no frequency). This missense change has been observed in individuals with ataxia-telangiectasia and/or prostate cancer (PMID: 21665257, 22071889, 33436325). ClinVar contains an entry for this variant (Variation ID: 230841). Invitae Evidence Modeling of protein sequence and biophysical properties (such as structural, functional, and spatial information, amino acid conservation, physicochemical variation, residue mobility, and thermodynamic stability) indicates that this missense variant is expected to disrupt ATM protein function with a positive predictive value of 95%. Experimental studies have shown that this missense change affects ATM function (PMID: 22071889, 31050087). For these reasons, this variant has been classified as Pathogenic.

Ambry Genetics
Classification: Likely pathogenic for Hereditary cancer-predisposing syndrome. Last evaluated: 2025-08-05. Review status: criteria provided, single submitter. Criteria: Ambry Variant Classification Scheme 2023. Collection method: clinical testing. Allele origin: germline.
Comment: The p.D2913Y variant (also known as c.8737G>T), located in coding exon 59 of the ATM gene, results from a G to T substitution at nucleotide position 8737. The aspartic acid at codon 2913 is replaced by tyrosine, an amino acid with highly dissimilar properties. This variant has been identified in the homozygous state and/or in conjunction with other ATM variant(s) in individual(s) with features consistent with ataxia-telangiectasia (Micol R et al. J. Allergy Clin. Immunol. 2011 Aug;128(2):382-9). Cell lines from an individual diagnosed with ataxia telangiectasia who was heterozygous for this alteration along with a second alteration in ATM, exhibited decreased response to ionizing radiation, decreased ATM protein expression, and abnormal cellular localization (Jacquemin V et al. Eur. J. Hum. Genet. 2012 Mar;20(3):305-12). Additionally, this alteration has been reported in at least one breast cancer patient in a study of 13087 breast cancer cases and 5488 control individuals in the UK (Decker B et al. J Med Genet, 2017 11;54:732-741). This variant was also reported in 1/5560 prostate cancer cases and in 0/3353 controls of European ancestry (Karlsson Q et al. Eur Urol Oncol, 2021 08;4:570-579). This variant is considered to be rare based on population cohorts in the Genome Aggregation Database (gnomAD). This amino acid position is highly conserved in available vertebrate species. In addition, this alteration is predicted to be deleterious by in silico analysis. Based on the majority of available evidence to date, this variant is likely to be pathogenic.

Molecular Pathology, Peter Maccallum Cancer Centre
Classification: Pathogenic for Ataxia-telangiectasia syndrome. Last evaluated: 2025-02-13. Review status: criteria provided, single submitter. Criteria: ACMG Guidelines, 2015. Collection method: clinical testing. Allele origin: germline. Inheritance: Autosomal recessive inheritance.

Color Diagnostics, LLC DBA Color Health
Classification: Likely pathogenic for Hereditary cancer-predisposing syndrome. Last evaluated: 2024-02-12. Review status: criteria provided, single submitter. Criteria: ACMG Guidelines, 2015. Collection method: clinical testing. Allele origin: germline.
Comment: This missense variant replaces aspartic acid with tyrosine at codon 2913 of the ATM protein. Computational prediction tools and conservation analyses suggest that this variant may have deleterious impact on protein function. Functional studies have shown that this variant results in reduced protein expression, abnormal sub-cellular localization, and disrupted phosphorylation activity (PMID: 22071889, 31050087). This variant has been reported in individuals affected with ataxia-telangiectasia in homozygosity and compound heterozygosity with a known pathogenic co-variant (PMID: 21665257, 31050087). In addition, this variant has been reported in individuals affected with breast cancer (PMID: 28779002, 30128536, 33471991). This variant has not been identified in the general population by the Genome Aggregation Database (gnomAD). Based on available evidence, this variant is classified as Likely Pathogenic.

Department of Pathology and Laboratory Medicine, Sinai Health System
Classification: Likely pathogenic for ATM-related cancer predisposition. Last evaluated: 2024-01-30. Review status: criteria provided, single submitter. Criteria: ACMG Guidelines, 2015. Collection method: clinical testing. Allele origin: germline. Affected: no.

Myriad Genetics, Inc.
Classification: Likely pathogenic for Familial cancer of breast. Last evaluated: 2023-03-10. Review status: criteria provided, single submitter. Criteria: Myriad Autosomal Dominant, Autosomal Recessive and X-Linked Classification Criteria (2023). Collection method: clinical testing. Allele origin: unknown.
Comment: This variant is considered likely pathogenic. This variant has been reported in multiple individuals with clinical features of gene-specific disease [PMID: 21665257, 25122203]. Functional studies indicate this variant impacts protein function [PMID: 22071889, 31050087]. This variant is expected to disrupt protein structure [Myriad internal data].

Women's Health and Genetics/Laboratory Corporation of America, LabCorp
Classification: Pathogenic for Ataxia-telangiectasia syndrome. Last evaluated: 2021-08-20. Review status: criteria provided, single submitter. Criteria: LabCorp Variant Classification Summary - May 2015. Collection method: clinical testing. Allele origin: germline.
Comment: Variant summary: ATM c.8737G>T (p.Asp2913Tyr) results in a non-conservative amino acid change located in the ATM, catalytic domain (IPR044107) of the encoded protein sequence. Five of five in-silico tools predict a damaging effect of the variant on protein function. The variant was absent in 251460 control chromosomes (gnomAD). c.8737G>T has been reported in the literature in multiple homozygous and compound heterozygous individuals affected with Ataxia-Telangiectasia (e.g. Micol_2011, Jacquemin_2012). The variant has also been reported in individuals affected with breast and prostate cancer (e.g. Lu_2019, Dorling_2021, Karlsson_2021). These data indicate that the variant is very likely to be associated with disease. Experimental evidence evaluating an impact on protein function demonstrated that the variant results in reduced protein expression, while it alters subcellular localization and cell cycle distribution and it impairs phosphorylation of target proteins such as H2AX, CHK2 and KAP1 (Jacquemin_2012, Fievet_2019). Three ClinVar submitters (evaluation after 2014) cite the variant as likely pathogenic. Based on the evidence outlined above, the variant was classified as pathogenic.

Literature cited by the submitters: PubMed 21665257 (cited by 6 submitters); PubMed 22071889 (cited by 6 submitters); PubMed 33436325 (cited by 4 submitters); PubMed 31050087 (cited by 5 submitters); PubMed 28779002 (cited by 3 submitters); PubMed 30128536 (cited by 3 submitters); PubMed 33471991 (cited by 3 submitters); PubMed 25122203 (cited by Myriad Genetics, Inc.).

NM_000051.4(ATM):c.8737G>T (p.Asp2913Tyr)

Genes: ATM (ATM serine/threonine kinase; plus strand), C11orf65 (chromosome 11 open reading frame 65; minus strand). Cytogenetic location: 11q22.3.
Variant type: single nucleotide variant.
Coding change: c.8737G>T on transcript NM_000051.4 (MANE Select); coding-DNA position 8737, G replaced by T.
Protein change: p.Asp2913Tyr; replaces aspartic acid 2913 with tyrosine.
Molecular consequence: missense variant. On other transcripts: intron variant (2).
Genome position (GRCh38, 1-based): chr11:108,353,831, G>T. VCF-style: chr11-108353831-G-T. GRCh37 (hg19) VCF-style: chr11-108224558-G-T.
Other names: c.8737G>T (NM_000051.2); c.8737G>T, p.Asp2913Tyr (NM_001351834.2); c.640+32089C>A (NM_001330368.2); c.695-18539C>A (NM_001351110.2); short protein forms D2913Y.
Identifiers: ClinVar variation 230841 (VCV000230841.25), dbSNP rs756899044, ClinGen allele CA10579315.